The following is an entry in ClinVar:

NM_005458.8(GABBR2):c.2542+3A>G

Gene: GABBR2 (gamma-aminobutyric acid type B receptor subunit 2; minus strand). Cytogenetic location: 9q22.33.
Variant type: single nucleotide variant.
Coding change: c.2542+3A>G on transcript NM_005458.8 (MANE Select); 3 bases into the intron after coding-DNA position 2542, A replaced by G.
Molecular consequence: intron variant.
Genome position (GRCh38, 1-based): chr9:98,299,221, T>C on the plus strand (A>G on the coding strand, the complement: GABBR2 is on the minus strand). VCF-style: chr9-98299221-T-C. GRCh37 (hg19) VCF-style: chr9-101061503-T-C.
Identifiers: ClinVar variation 2804951 (VCV002804951.3), dbSNP rs760559434, ClinGen allele CA5152450.

ClinVar aggregate classification (germline): Uncertain significance (1 of 4 stars; one submission).

Conditions:
Epileptic encephalopathy. Identifiers: MedGen C0543888, HP:0200134.

Allele frequency attached by ClinVar (database versions not stated): gnomAD exomes below 0.00001; ExAC 0.00001.
gnomAD v4.1: 1 of 1,613,734 alleles (0.000062%); highest among the groups gnomAD compares: South Asian, 0.0011%; no homozygotes.

Submission:

Labcorp Genetics (formerly Invitae), Labcorp
Classification: Uncertain significance for Epileptic encephalopathy. Last evaluated: 2023-02-03. Review status: criteria provided, single submitter. Criteria: Invitae Variant Classification Sherloc (09022015). Collection method: clinical testing. Allele origin: germline.
Comment: In summary, the available evidence is currently insufficient to determine the role of this variant in disease. Therefore, it has been classified as a Variant of Uncertain Significance. Variants that disrupt the consensus splice site are a relatively common cause of aberrant splicing (PMID: 17576681, 9536098). Algorithms developed to predict the effect of sequence changes on RNA splicing suggest that this variant is not likely to affect RNA splicing. This variant has not been reported in the literature in individuals affected with GABBR2-related conditions. This variant is present in population databases (rs760559434, gnomAD 0.003%). This sequence change falls in intron 17 of the GABBR2 gene. It does not directly change the encoded amino acid sequence of the GABBR2 protein. It affects a nucleotide within the consensus splice site.

Literature cited by the submitters: PubMed 17576681; PubMed 9536098.